The following is an entry in ClinVar:

ClinVar aggregate classification (germline): Conflicting classifications of pathogenicity. Review status: criteria provided, conflicting classifications (1 of 4 stars). 2 submissions from 2 submitters: Uncertain significance (1); Likely benign (1). Last evaluated 2023-03-23.

Conditions:
Hereditary cancer-predisposing syndrome. Also called: Hereditary neoplastic syndrome; Neoplastic Syndromes, Hereditary; Tumor predisposition; Hereditary Cancer Syndrome. Identifiers: Orphanet 140162, MedGen C0027672, MeSH D009386, MONDO:0015356.

Allele frequency attached by ClinVar (database versions not stated): gnomAD exomes below 0.00001.
gnomAD v4.1: 1 of 1,613,768 alleles (0.000062%); highest among the groups gnomAD compares: Non-Finnish European, 0.000085%; no homozygotes.

Submissions (2):

University of Washington Department of Laboratory Medicine, University of Washington
Classification: Likely benign for Hereditary cancer-predisposing syndrome. Last evaluated: 2023-03-23. Review status: criteria provided, single submitter. Criteria: Dines et al. (Genet Med. 2020). Collection method: curation. Allele origin: germline.
Comment: Missense variant in a coldspot region where missense variants are very unlikely to be pathogenic (PMID:31911673).

BRCA2 exon 11 coldspot. Reclassification based on statistical prior probability.

Institute for Clinical Genetics, University Hospital TU Dresden, University Hospital TU Dresden
Classification: Uncertain significance. Last evaluated: 2021-11-03. Review status: criteria provided, single submitter. Criteria: ACMG Guidelines, 2015. Collection method: clinical testing. Allele origin: germline.

NM_000059.4(BRCA2):c.3002C>T (p.Ser1001Leu)

Gene: BRCA2 (BRCA2 DNA repair associated; plus strand). Cytogenetic location: 13q13.1.
Variant type: single nucleotide variant.
Coding change: c.3002C>T on transcript NM_000059.4 (MANE Select); coding-DNA position 3002, C replaced by T.
Protein change: p.Ser1001Leu; replaces serine 1001 with leucine.
Molecular consequence: missense variant.
Genome position (GRCh38, 1-based): chr13:32,337,357, C>T. VCF-style: chr13-32337357-C-T. GRCh37 (hg19) VCF-style: chr13-32911494-C-T.
Other names: short protein forms S1001L.
Identifiers: ClinVar variation 1319580 (VCV001319580.6), dbSNP rs1555283001, ClinGen allele CA387774680.